The following is an entry in ClinVar:

ClinVar aggregate classification (germline): Uncertain significance (1 of 4 stars; one submission).

Conditions:
Early-infantile DEE. Also called: Ohtahara syndrome; Early infantile epileptic encephalopathy with suppression bursts; Early infantile epileptic encephalopathy. Identifiers: Orphanet 1934, MedGen C0393706, MONDO:0800491.

Allele frequency attached by ClinVar (database versions not stated): TOPMed 0.00001; gnomAD 0.00002.
gnomAD v4.1: 39 of 1,613,974 alleles (0.0024%); highest among the groups gnomAD compares: Non-Finnish European, 0.0032%; no homozygotes.

Submission:

Labcorp Genetics (formerly Invitae), Labcorp
Classification: Uncertain significance for Early-infantile DEE. Last evaluated: 2022-07-06. Review status: criteria provided, single submitter. Criteria: Invitae Variant Classification Sherloc (09022015). Collection method: clinical testing. Allele origin: germline.
Comment: This sequence change replaces glycine, which is neutral and non-polar, with arginine, which is basic and polar, at codon 577 of the ARHGEF15 protein (p.Gly577Arg). In summary, the available evidence is currently insufficient to determine the role of this variant in disease. Therefore, it has been classified as a Variant of Uncertain Significance. Algorithms developed to predict the effect of missense changes on protein structure and function are either unavailable or do not agree on the potential impact of this missense change (SIFT: "Deleterious"; PolyPhen-2: "Probably Damaging"; Align-GVGD: "Class C15"). ClinVar contains an entry for this variant (Variation ID: 1467345). This variant has not been reported in the literature in individuals affected with ARHGEF15-related conditions. This variant is present in population databases (no rsID available, gnomAD 0.002%).

NM_173728.4(ARHGEF15):c.1729G>C (p.Gly577Arg)

Gene: ARHGEF15 (Rho guanine nucleotide exchange factor 15; plus strand). Cytogenetic location: 17p13.1.
Variant type: single nucleotide variant.
Coding change: c.1729G>C on transcript NM_173728.4 (MANE Select); coding-DNA position 1729, G replaced by C.
Protein change: p.Gly577Arg; replaces glycine 577 with arginine.
Molecular consequence: missense variant.
Genome position (GRCh38, 1-based): chr17:8,318,411, G>C. VCF-style: chr17-8318411-G-C. GRCh37 (hg19) VCF-style: chr17-8221729-G-C.
Other names: c.1729G>C, p.Gly577Arg (NM_025014.2); short protein forms G577R.
Identifiers: ClinVar variation 1467345 (VCV001467345.9), dbSNP rs761486813, ClinGen allele CA398022675.